The following is an entry in ClinVar:

NM_007254.4(PNKP):c.498+268G>T

Gene: PNKP (polynucleotide kinase 3'-phosphatase; minus strand). Cytogenetic location: 19q13.33.
Variant type: single nucleotide variant.
Coding change: c.498+268G>T on transcript NM_007254.4 (MANE Select); 268 bases into the intron after coding-DNA position 498, G replaced by T.
Molecular consequence: intron variant.
Genome position (GRCh38, 1-based): chr19:49,864,859, C>A on the plus strand (G>T on the coding strand, the complement: PNKP is on the minus strand). VCF-style: chr19-49864859-C-A. GRCh37 (hg19) VCF-style: chr19-50368116-C-A.
Identifiers: ClinVar variation 668821 (VCV000668821.1), dbSNP rs3729641, ClinGen allele CA14691827.
Genomic context (GRCh38, chr19:49,864,859, plus strand): 5'-ATCGTAGAGATGAGACACATGGGACTCAGAATGTGGTGGTAACAGCATTTGAACTCAAGT[C>A]TCTCTGGACATAAAAAATCCTCATCGTAATAGCTCCTACTGAGACAGTCATGGTCATTGC-3'

ClinVar aggregate classification (germline): Benign (1 of 4 stars; one submission).

Allele frequency attached by ClinVar (database versions not stated): gnomAD 0.16975; TOPMed 0.17771; 1000 Genomes Project 30x 0.19379; 1000 Genomes Project 0.19868.
gnomAD v4.1: 27,274 of 152,164 alleles (18%); highest among the groups gnomAD compares: South Asian, 27%; 2,587 homozygotes.

Submission:

GeneDx
Classification: Benign. Last evaluated: 2018-06-18. Review status: criteria provided, single submitter. Criteria: GeneDx Variant Classification (06012015). Collection method: clinical testing. Allele origin: germline. Affected: yes.
Comment: This variant is considered likely benign or benign based on one or more of the following criteria: it is a conservative change, it occurs at a poorly conserved position in the protein, it is predicted to be benign by multiple in silico algorithms, and/or has population frequency not consistent with disease.